The following is an entry in ClinVar:

ClinVar aggregate classification (germline): Likely benign. Review status: criteria provided, multiple submitters, no conflicts (2 of 4 stars). 3 submissions from 3 submitters: Likely benign (3). Last evaluated 2026-01-25.

Conditions:
Tuberous sclerosis 2 (TSC2). Identifiers: Orphanet 805, MedGen C1860707, MONDO:0013199, OMIM 613254.

Allele frequency attached by ClinVar (database versions not stated): TOPMed 0.00002; gnomAD exomes 0.00003.
gnomAD v4.1: 41 of 1,551,252 alleles (0.0026%); highest among the groups gnomAD compares: African/African-American, 0.0055%; no homozygotes.

Submissions (3):

Labcorp Genetics (formerly Invitae), Labcorp
Classification: Likely benign for Tuberous sclerosis 2. Last evaluated: 2026-01-25. Review status: criteria provided, single submitter. Criteria: Invitae Variant Classification Sherloc (09022015). Collection method: clinical testing. Allele origin: germline.

Blueprint Genetics
Classification: Likely benign. Last evaluated: 2024-11-07. Review status: criteria provided, single submitter. Criteria: ACMG Guidelines, 2015. Collection method: clinical testing. Allele origin: germline.

GeneDx
Classification: Likely benign. Last evaluated: 2016-02-11. Review status: criteria provided, single submitter. Criteria: GeneDx Variant Classification (06012015). Collection method: clinical testing. Allele origin: germline. Affected: yes.
Comment: This variant is considered likely benign or benign based on one or more of the following criteria: it is a conservative change, it occurs at a poorly conserved position in the protein, it is predicted to be benign by multiple in silico algorithms, and/or has population frequency not consistent with disease.

NM_000548.5(TSC2):c.1443+14C>T

Gene: TSC2 (TSC complex subunit 2; plus strand). Cytogenetic location: 16p13.3.
Variant type: single nucleotide variant.
Coding change: c.1443+14C>T on transcript NM_000548.5 (MANE Select); 14 bases into the intron after coding-DNA position 1443, C replaced by T.
Molecular consequence: intron variant.
Genome position (GRCh38, 1-based): chr16:2,063,067, C>T. VCF-style: chr16-2063067-C-T. GRCh37 (hg19) VCF-style: chr16-2113068-C-T.
Other names: c.1443+14C>T (NM_001114382.3, NM_021055.3, NM_001370405.1 and 3 more transcripts); c.1332+14C>T (NM_001318827.2); c.843+14C>T (NM_001318831.2); c.1296+14C>T (NM_001318829.2); c.1476+14C>T (NM_001318832.2).
Identifiers: ClinVar variation 378777 (VCV000378777.7), dbSNP rs753454333, ClinGen allele CA16607294.